The following is an entry in ClinVar:

ClinVar aggregate classification (germline): Uncertain significance. Review status: criteria provided, multiple submitters, no conflicts (2 of 4 stars). 2 submissions from 2 submitters: Uncertain significance (2). Last evaluated 2026-01-05.

Conditions:
Familial hemophagocytic lymphohistiocytosis 2 (FHL2). Also called: PRF1-Related Familial Hemophagocytic Lymphohistiocytosis (PRF1-fHLH). Identifiers: Orphanet 540, MedGen C1863727, MONDO:0011337, OMIM 603553.

Allele frequency attached by ClinVar (database versions not stated): TOPMed 0.00001; gnomAD 0.00003.

Submissions (2):

Labcorp Genetics (formerly Invitae), Labcorp
Classification: Uncertain significance for Familial hemophagocytic lymphohistiocytosis 2. Last evaluated: 2026-01-05. Review status: criteria provided, single submitter. Criteria: Invitae Variant Classification Sherloc (09022015). Collection method: clinical testing. Allele origin: germline.
Comment: This sequence change replaces threonine, which is neutral and polar, with serine, which is neutral and polar, at codon 136 of the PRF1 protein (p.Thr136Ser). This variant is present in population databases (no rsID available, gnomAD 0.003%). This variant has not been reported in the literature in individuals affected with PRF1-related conditions. ClinVar contains an entry for this variant (Variation ID: 566192). Invitae Evidence Modeling of protein sequence and biophysical properties (such as structural, functional, and spatial information, amino acid conservation, physicochemical variation, residue mobility, and thermodynamic stability) indicates that this missense variant is not expected to disrupt PRF1 protein function with a negative predictive value of 95%. In summary, the available evidence is currently insufficient to determine the role of this variant in disease. Therefore, it has been classified as a Variant of Uncertain Significance.

Mayo Clinic Laboratories, Mayo Clinic
Classification: Uncertain significance. Last evaluated: 2024-04-25. Review status: criteria provided, single submitter. Criteria: ACMG Guidelines, 2015. Collection method: clinical testing. Allele origin: germline. Observed: 1 variant allele.
Comment: BP4

NM_001083116.3(PRF1):c.407C>G (p.Thr136Ser)

Gene: PRF1 (perforin 1; minus strand). Cytogenetic location: 10q22.1.
Variant type: single nucleotide variant.
Coding change: c.407C>G on transcript NM_001083116.3 (MANE Select); coding-DNA position 407, C replaced by G.
Protein change: p.Thr136Ser; replaces threonine 136 with serine.
Molecular consequence: missense variant.
Genome position (GRCh38, 1-based): chr10:70,600,496, G>C on the plus strand (C>G on the coding strand, the complement: PRF1 is on the minus strand). VCF-style: chr10-70600496-G-C. GRCh37 (hg19) VCF-style: chr10-72360252-G-C.
Other names: p.Thr136Ser; c.407C>G, p.Thr136Ser (NM_005041.6); short protein forms T136S.
Identifiers: ClinVar variation 566192 (VCV000566192.9), dbSNP rs1031096686, ClinGen allele CA209369609.